The following is an entry in ClinVar:

ClinVar aggregate classification (germline): Conflicting classifications of pathogenicity. Review status: criteria provided, conflicting classifications (1 of 4 stars). 2 submissions from 2 submitters: Likely pathogenic (1); Uncertain significance (1). Last evaluated 2019-05-09.

Conditions:
Inborn genetic diseases. Identifiers: MedGen C0950123, MeSH D030342.

Submissions (2):

GeneDx
Classification: Likely pathogenic. Last evaluated: 2019-05-09. Review status: criteria provided, single submitter. Criteria: GeneDx Variant Classification Process June 2021. Collection method: clinical testing. Allele origin: germline. Affected: yes.
Comment: Not observed in large population cohorts (Lek et al., 2016); In silico analysis, which includes protein predictors and evolutionary conservation, supports that this variant does not alter protein structure/function; In-silico analysis is inconclusive as to whether the variant alters gene splicing. In the absence of RNA/functional studies, the actual effect of this sequence change is unknown.; This variant is associated with the following publications: (PMID: 29565416, 19921636, 16760738, 22305528, 22541558, 22581936, 23188108, 23239648, 23879989, 24266672, 25735261, 25790162, 26118977, 26507355, 27670155, 24470203)

Ambry Genetics
Classification: Uncertain significance for Inborn genetic diseases. Last evaluated: 2017-06-22. Review status: criteria provided, single submitter. Criteria: Ambry exome assertion method (8-5-2015). Collection method: clinical testing. Allele origin: germline. Affected: yes. Observed: 1 variant allele.

NM_004247.4(EFTUD2):c.1570A>G (p.Ile524Val)

Gene: EFTUD2 (elongation factor Tu GTP binding domain containing 2; minus strand). Cytogenetic location: 17q21.31.
Variant type: single nucleotide variant.
Coding change: c.1570A>G on transcript NM_004247.4 (MANE Select); coding-DNA position 1570, A replaced by G.
Protein change: p.Ile524Val; replaces isoleucine 524 with valine.
Molecular consequence: missense variant.
Genome position (GRCh38, 1-based): chr17:44,862,750, T>C on the plus strand (A>G on the coding strand, the complement: EFTUD2 is on the minus strand). VCF-style: chr17-44862750-T-C. GRCh37 (hg19) VCF-style: chr17-42940118-T-C.
Other names: c.1465A>G, p.Ile489Val (NM_001142605.2); c.1570A>G, p.Ile524Val (NM_001258353.2); c.1540A>G, p.Ile514Val (NM_001258354.2); short protein forms I524V, I489V, I514V.
Identifiers: ClinVar variation 521747 (VCV000521747.6), dbSNP rs1555565772, ClinGen allele CA399813462.